The following is an entry in ClinVar:

ClinVar aggregate classification (germline): Uncertain significance. Review status: criteria provided, multiple submitters, no conflicts (2 of 4 stars). 3 submissions from 3 submitters: Uncertain significance (3). Last evaluated 2025-11-19.

Conditions:
Inborn genetic diseases. Identifiers: MedGen C0950123, MeSH D030342.
CPOX-related disorder. Also called: CPOX-related disorders; CPOX-related condition.

Allele frequency attached by ClinVar (database versions not stated): gnomAD 0.00003.
gnomAD v4.1: 53 of 1,446,228 alleles (0.0037%); highest among the groups gnomAD compares: Non-Finnish European, 0.0045%; no homozygotes.

Submissions (3):

PreventionGenetics, part of Exact Sciences
Classification: Uncertain significance for CPOX-related condition. Last evaluated: 2025-11-19. Review status: criteria provided, single submitter. Criteria: ACMG Guidelines, 2015. Collection method: clinical testing. Allele origin: germline.
Comment: The CPOX c.211G>T variant is predicted to result in the amino acid substitution p.Gly71Cys. To our knowledge, this variant has not been reported in the literature. This variant is reported in 0.0026% of alleles in individuals of European (Non-Finnish) descent in gnomAD. At this time, the clinical significance of this variant is uncertain due to the absence of conclusive functional and genetic evidence.

Labcorp Genetics (formerly Invitae), Labcorp
Classification: Uncertain significance. Last evaluated: 2022-03-16. Review status: criteria provided, single submitter. Criteria: Invitae Variant Classification Sherloc (09022015). Collection method: clinical testing. Allele origin: germline.
Comment: This sequence change replaces glycine, which is neutral and non-polar, with cysteine, which is neutral and slightly polar, at codon 71 of the CPOX protein (p.Gly71Cys). This variant is present in population databases (no rsID available, gnomAD 0.003%). This variant has not been reported in the literature in individuals affected with CPOX-related conditions. Algorithms developed to predict the effect of missense changes on protein structure and function are either unavailable or do not agree on the potential impact of this missense change (SIFT: "Deleterious"; PolyPhen-2: "Possibly Damaging"; Align-GVGD: "Class C0"). In summary, the available evidence is currently insufficient to determine the role of this variant in disease. Therefore, it has been classified as a Variant of Uncertain Significance.

Ambry Genetics
Classification: Uncertain significance for Inborn genetic diseases. Last evaluated: 2021-10-29. Review status: criteria provided, single submitter. Criteria: Ambry Variant Classification Scheme 2023. Collection method: clinical testing. Allele origin: germline.

NM_000097.7(CPOX):c.211G>T (p.Gly71Cys)

Genes: CPOX (coproporphyrinogen oxidase; minus strand), LOC129937121 (ATAC-STARR-seq lymphoblastoid silent region 14560; plus strand). Cytogenetic location: 3q11.2.
Variant type: single nucleotide variant.
Coding change: c.211G>T on transcript NM_000097.7 (MANE Select); coding-DNA position 211, G replaced by T.
Protein change: p.Gly71Cys; replaces glycine 71 with cysteine.
Molecular consequence: missense variant.
Genome position (GRCh38, 1-based): chr3:98,593,294, C>A on the plus strand (G>T on the coding strand, the complement: CPOX is on the minus strand). VCF-style: chr3-98593294-C-A. GRCh37 (hg19) VCF-style: chr3-98312138-C-A.
Other names: c.211G>T (NM_000097.5); short protein forms G71C.
Identifiers: ClinVar variation 1410205 (VCV001410205.8), dbSNP rs767862234, ClinGen allele CA353646924.